The following is an entry in ClinVar:

ClinVar aggregate classification (germline): Uncertain significance (1 of 4 stars; one submission).

Conditions:
Congenital heart defects, dysmorphic facial features, and intellectual developmental disorder (CHDFIDD). Identifiers: Orphanet 646278, MedGen C4479246, MONDO:0044302, OMIM 617360.

Submission:

3billion
Classification: Uncertain significance for Congenital heart defects, dysmorphic facial features, and intellectual developmental disorder. Last evaluated: 2023-02-23. Review status: criteria provided, single submitter. Criteria: ACMG Guidelines, 2015. Collection method: clinical testing. Allele origin: unknown. Affected: yes.
Comment: The variant is not observed in the gnomAD v2.1.1 dataset. Missense changes are a common disease-causing mechanism. In silico tool predictions suggest damaging effect of the variant on gene or gene product (3Cnet: 0.93). However, the evidence of pathogenicity is insufficient at this time. Therefore, this variant is classified as VUS according to the recommendation of ACMG/AMP guideline.

NM_003718.5(CDK13):c.2719C>T (p.Leu907Phe)

Gene: CDK13 (cyclin dependent kinase 13; plus strand). Cytogenetic location: 7p14.1.
Variant type: single nucleotide variant.
Coding change: c.2719C>T on transcript NM_003718.5 (MANE Select); coding-DNA position 2719, C replaced by T.
Protein change: p.Leu907Phe; replaces leucine 907 with phenylalanine.
Molecular consequence: missense variant.
Genome position (GRCh38, 1-based): chr7:40,063,039, C>T. VCF-style: chr7-40063039-C-T. GRCh37 (hg19) VCF-style: chr7-40102638-C-T.
Other names: c.2719C>T, p.Leu907Phe (NM_031267.4); short protein forms L907F.
Identifiers: ClinVar variation 2444330 (VCV002444330.1), dbSNP rs2483987868, ClinGen allele CA367286277.
Genomic context (GRCh38, chr7:40,063,039, plus strand): 5'-ATTAAAATAGATCATTTGGTAATGACGGGTATTTTTTCCATTAGCTGTATCCTTGGCGAA[C>T]TCTTCACTAAAAAACCTATATTTCAAGCAAATCAGGAACTTGCACAACTAGAATTAATAA-3'
Protein context (NP_003709.3, residues 897-917): VWSCGCILGE[Leu907Phe]FTKKPIFQAN